The following is an entry in ClinVar:

ClinVar aggregate classification (germline): Uncertain significance. Review status: criteria provided, multiple submitters, no conflicts (2 of 4 stars). 2 submissions from 2 submitters: Uncertain significance (2). Last evaluated 2024-06-20.

Conditions:
Hereditary cancer-predisposing syndrome. Also called: Tumor predisposition; Neoplastic Syndromes, Hereditary; Hereditary Cancer Syndrome; Hereditary neoplastic syndrome. Identifiers: Orphanet 140162, MedGen C0027672, MeSH D009386, MONDO:0015356.
Birt-Hogg-Dube syndrome. Also called: Birt Hogg Dubé syndrome. Identifiers: Orphanet 122, MedGen C0346010, MONDO:0800444.

Submissions (2):

Ambry Genetics
Classification: Uncertain significance for Hereditary cancer-predisposing syndrome. Last evaluated: 2024-06-20. Review status: criteria provided, single submitter. Criteria: Ambry Variant Classification Scheme 2023. Collection method: clinical testing. Allele origin: germline.
Comment: The p.V430A variant (also known as c.1289T>C), located in coding exon 8 of the FLCN gene, results from a T to C substitution at nucleotide position 1289. The valine at codon 430 is replaced by alanine, an amino acid with similar properties. This amino acid position is not well conserved in available vertebrate species. In addition, the in silico prediction for this alteration is inconclusive. Since supporting evidence is limited at this time, the clinical significance of this alteration remains unclear.

Labcorp Genetics (formerly Invitae), Labcorp
Classification: Uncertain significance for Birt-Hogg-Dube syndrome. Last evaluated: 2024-03-17. Review status: criteria provided, single submitter. Criteria: Invitae Variant Classification Sherloc (09022015). Collection method: clinical testing. Allele origin: germline.
Comment: This sequence change replaces valine, which is neutral and non-polar, with alanine, which is neutral and non-polar, at codon 430 of the FLCN protein (p.Val430Ala). This variant is not present in population databases (gnomAD no frequency). This variant has not been reported in the literature in individuals affected with FLCN-related conditions. ClinVar contains an entry for this variant (Variation ID: 1769046). Advanced modeling of protein sequence and biophysical properties (such as structural, functional, and spatial information, amino acid conservation, physicochemical variation, residue mobility, and thermodynamic stability) performed at Invitae indicates that this missense variant is not expected to disrupt FLCN protein function with a negative predictive value of 80%. In summary, the available evidence is currently insufficient to determine the role of this variant in disease. Therefore, it has been classified as a Variant of Uncertain Significance.

NM_144997.7(FLCN):c.1289T>C (p.Val430Ala)

Gene: FLCN (folliculin; minus strand). Cytogenetic location: 17p11.2.
Variant type: single nucleotide variant.
Coding change: c.1289T>C on transcript NM_144997.7 (MANE Select); coding-DNA position 1289, T replaced by C.
Protein change: p.Val430Ala; replaces valine 430 with alanine.
Molecular consequence: missense variant.
Genome position (GRCh38, 1-based): chr17:17,216,391, A>G on the plus strand (T>C on the coding strand, the complement: FLCN is on the minus strand). VCF-style: chr17-17216391-A-G. GRCh37 (hg19) VCF-style: chr17-17119705-A-G.
Other names: c.1343T>C, p.Val448Ala (NM_001353229.2); c.1289T>C, p.Val430Ala (NM_001353230.2, NM_001353231.2); short protein forms V430A, V448A.
Identifiers: ClinVar variation 1769046 (VCV001769046.6), dbSNP rs2544161148, ClinGen allele CA398531606.